The following is an entry in ClinVar:

NM_000179.3(MSH6):c.3763_3767dup (p.Tyr1256Ter)

Gene: MSH6 (mutS homolog 6; plus strand). Cytogenetic location: 2p16.3.
Variant type: Duplication.
Coding change: c.3763_3767dup on transcript NM_000179.3 (MANE Select); coding-DNA positions 3763 to 3767, 5 bases duplicated (GATTA; older notation c.3763_3767dupGATTA).
Protein change: p.Tyr1256Ter; replaces tyrosine 1256 with a stop codon.
Molecular consequence: nonsense. On other transcripts: non-coding transcript variant (5).
Genome position (GRCh38, 1-based): chr2:47,806,320-47,806,324, GATTA duplicated; duplicating any 5 consecutive bases within chr2:47,806,319-47,806,324 gives the same sequence; the c. name uses the placement nearest the transcript's 3' end. VCF-style (leftmost placement, unchanged base first): chr2-47806318-A-AAGATT. GRCh37 (hg19) VCF-style: chr2-48033457-A-AAGATT.
Other names: c.3373_3377dup, p.Tyr1126Ter (NM_001281492.2); c.2857_2861dup, p.Tyr954Ter (NM_001281493.2, NM_001281494.2, NM_001406811.1 and 6 more transcripts); c.3859_3863dup, p.Tyr1288Ter (NM_001406795.1, NM_001406802.1); c.3763_3767dup, p.Tyr1256Ter (NM_001406796.1, NM_001406800.1, NM_001406808.1 and 1 more transcripts); c.3466_3470dup, p.Tyr1157Ter (NM_001406797.1, NM_001406801.1, NM_001406805.1 and 10 more transcripts); c.3589_3593dup, p.Tyr1198Ter (NM_001406798.1); c.3238_3242dup, p.Tyr1081Ter (NM_001406799.1, NM_001406806.1, NM_001406807.1); c.2899_2903dup, p.Tyr968Ter (NM_001406803.1); and 7 more; short protein forms Y1081*, Y1126*, Y1157*, Y1198*, Y1200*, Y1230*, Y1256*, Y1258*.
Identifiers: ClinVar variation 2673680 (VCV002673680.1), dbSNP rs2530846864, ClinGen allele CA2695200615.
Genomic context (GRCh38, chr2:47,806,318, plus strand): 5'-AACTTGCTGAGACTATAAAATGTCGTACATTATTTTCAACTCACTACCATTCATTAGTAG[A>AAGATT]AGATTATTCTCAAAATGTTGCTGTGCGCCTAGGACATATGGTATGTGCAAATTGTTTTTT-3'

ClinVar aggregate classification (germline): Pathogenic (1 of 4 stars; one submission).

Conditions:
Lynch syndrome 5 (LYNCH5). Also called: Colorectal cancer, hereditary nonpolyposis, type 5; Hereditary non-polyposis colorectal cancer, type 5. Identifiers: Orphanet 144, MedGen C1833477, MONDO:0013710, OMIM 614350. Disease mechanism: loss of function.

Submission:

Myriad Genetics, Inc.
Classification: Pathogenic for Lynch syndrome 5. Last evaluated: 2023-08-25. Review status: criteria provided, single submitter. Criteria: Myriad Autosomal Dominant, Autosomal Recessive and X-Linked Classification Criteria (2023). Collection method: clinical testing. Allele origin: unknown.
Comment: This variant is considered pathogenic. This variant creates a termination codon and is predicted to result in premature protein truncation.